The following is an entry in ClinVar:

NM_005987.4(SPRR1A):c.198G>A (p.Gln66=)

Gene: SPRR1A (small proline rich protein 1A; plus strand). Cytogenetic location: 1q21.3.
Variant type: single nucleotide variant.
Coding change: c.198G>A on transcript NM_005987.4 (MANE Select); coding-DNA position 198, G replaced by A.
Protein change: p.Gln66=; no amino-acid change (glutamine 66 retained).
Molecular consequence: synonymous variant.
Genome position (GRCh38, 1-based): chr1:152,985,428, G>A. VCF-style: chr1-152985428-G-A. GRCh37 (hg19) VCF-style: chr1-152957904-G-A.
Other names: c.198G>A, p.Gln66= (NM_001199828.2).
Identifiers: ClinVar variation 2639345 (VCV002639345.24), dbSNP rs75299640, ClinGen allele CA30627975.
Genomic context (GRCh38, chr1:152,985,428, plus strand): 5'-TGAGCCCTGCCACCCCAAAGTGCCTGAGCCCTGCCAGCCCAAGGTTCCAGAGCCCTGCCA[G>A]CCCAAGGTGCCTGAGCCCTGCCCTTCAACGGTCACTCCAGCACCAGCCCAGCAGAAGACC-3'
Protein context (NP_005978.2, residues 56-76): PCQPKVPEPC[Gln66=]PKVPEPCPST

ClinVar aggregate classification (germline): Likely benign (1 of 4 stars; one submission).

Submission:

CeGaT Center for Human Genetics Tuebingen
Classification: Likely benign. Last evaluated: 2024-10-01. Review status: criteria provided, single submitter. Criteria: CeGaT Center For Human Genetics Tuebingen Variant Classification Criteria Version 2. Collection method: clinical testing. Allele origin: germline. Affected: yes. Observed: 2 variant alleles.
Comment: SPRR1A: PM2:Supporting, BP4, BP7